The following is an entry in ClinVar:

ClinVar aggregate classification (germline): Uncertain significance (1 of 4 stars; one submission).

Conditions:
Aicardi-Goutieres syndrome 3. Identifiers: Orphanet 51, MedGen C1835916, MONDO:0012471, OMIM 610329.

gnomAD v4.1: 1 of 1,614,122 alleles (0.000062%); highest among the groups gnomAD compares: African/African-American, 0.0013%; no homozygotes.

Submission:

Labcorp Genetics (formerly Invitae), Labcorp
Classification: Uncertain significance for Aicardi-Goutieres syndrome 3. Last evaluated: 2025-02-10. Review status: criteria provided, single submitter. Criteria: Invitae Variant Classification Sherloc (09022015). Collection method: clinical testing. Allele origin: germline.
Comment: This sequence change replaces arginine, which is basic and polar, with glutamine, which is neutral and polar, at codon 100 of the RNASEH2C protein (p.Arg100Gln). This variant is not present in population databases (gnomAD no frequency). This variant has not been reported in the literature in individuals affected with RNASEH2C-related conditions. An algorithm developed to predict the effect of missense changes on protein structure and function (PolyPhen-2) suggests that this variant is likely to be tolerated. In summary, the available evidence is currently insufficient to determine the role of this variant in disease. Therefore, it has been classified as a Variant of Uncertain Significance.

NM_032193.4(RNASEH2C):c.299G>A (p.Arg100Gln)

Gene: RNASEH2C (ribonuclease H2 subunit C; minus strand). Cytogenetic location: 11q13.1.
Variant type: single nucleotide variant.
Coding change: c.299G>A on transcript NM_032193.4 (MANE Select); coding-DNA position 299, G replaced by A.
Protein change: p.Arg100Gln; replaces arginine 100 with glutamine.
Molecular consequence: missense variant.
Genome position (GRCh38, 1-based): chr11:65,720,291, C>T on the plus strand (G>A on the coding strand, the complement: RNASEH2C is on the minus strand). VCF-style: chr11-65720291-C-T. GRCh37 (hg19) VCF-style: chr11-65487762-C-T.
Other names: short protein forms R100Q.
Identifiers: ClinVar variation 4765568 (VCV004765568.1).